The following is an entry in ClinVar:

ClinVar aggregate classification (germline): Uncertain significance (1 of 4 stars; one submission).

Allele frequency attached by ClinVar (database versions not stated): gnomAD exomes 0.00001; TOPMed 0.00001; ExAC 0.00001.
gnomAD v4.1: 3 of 1,613,750 alleles (0.00019%); no homozygotes.

Submission:

Labcorp Genetics (formerly Invitae), Labcorp
Classification: Uncertain significance. Last evaluated: 2021-09-27. Review status: criteria provided, single submitter. Criteria: Invitae Variant Classification Sherloc (09022015). Collection method: clinical testing. Allele origin: germline.
Comment: This sequence change replaces isoleucine with valine at codon 131 of the DUOX2 protein (p.Ile131Val). The isoleucine residue is highly conserved and there is a small physicochemical difference between isoleucine and valine. This variant is present in population databases (rs777892075, ExAC 0.002%). This variant has not been reported in the literature in individuals affected with DUOX2-related conditions. Advanced modeling of protein sequence and biophysical properties (such as structural, functional, and spatial information, amino acid conservation, physicochemical variation, residue mobility, and thermodynamic stability) performed at Invitae indicates that this missense variant is not expected to disrupt DUOX2 protein function. In summary, the available evidence is currently insufficient to determine the role of this variant in disease. Therefore, it has been classified as a Variant of Uncertain Significance.

NM_001363711.2(DUOX2):c.391A>G (p.Ile131Val)

Gene: DUOX2 (dual oxidase 2; minus strand). Cytogenetic location: 15q21.1.
Variant type: single nucleotide variant.
Coding change: c.391A>G on transcript NM_001363711.2 (MANE Select); coding-DNA position 391, A replaced by G.
Protein change: p.Ile131Val; replaces isoleucine 131 with valine.
Molecular consequence: missense variant.
Genome position (GRCh38, 1-based): chr15:45,111,890, T>C on the plus strand (A>G on the coding strand, the complement: DUOX2 is on the minus strand). VCF-style: chr15-45111890-T-C. GRCh37 (hg19) VCF-style: chr15-45404088-T-C.
Other names: c.391A>G, p.Ile131Val (NM_014080.5); short protein forms I131V.
Identifiers: ClinVar variation 1505726 (VCV001505726.3), dbSNP rs777892075, ClinGen allele CA7538968.
Genomic context (GRCh38, chr15:45,111,890, plus strand): 5'-GCAGCACCACGTCCCCGCGCTGGTCGGGGTCGAACACGGGGTCTCCAGGTGGGATGCGGA[T>C]GTTGAGGAACTCGGCGGGGCAACCGGGCGTTTCCACGCTCACCACGTCGGAAAGAACATG-3'
Protein context (NP_001350640.1, residues 121-141): TPGCPAEFLN[Ile131Val]RIPPGDPVFD